The following is an entry in ClinVar:

NM_017617.5(NOTCH1):c.1211A>C (p.Tyr404Ser)

Gene: NOTCH1 (notch receptor 1; minus strand). Cytogenetic location: 9q34.3.
Variant type: single nucleotide variant.
Coding change: c.1211A>C on transcript NM_017617.5 (MANE Select); coding-DNA position 1211, A replaced by C.
Protein change: p.Tyr404Ser; replaces tyrosine 404 with serine.
Molecular consequence: missense variant.
Genome position (GRCh38, 1-based): chr9:136,518,181, T>G on the plus strand (A>C on the coding strand, the complement: NOTCH1 is on the minus strand). VCF-style: chr9-136518181-T-G. GRCh37 (hg19) VCF-style: chr9-139412633-T-G.
Other names: short protein forms Y404S.
Identifiers: ClinVar variation 4690031 (VCV004690031.1).

ClinVar aggregate classification (germline): Uncertain significance (1 of 4 stars; one submission).

Submission:

GeneDx
Classification: Uncertain significance. Last evaluated: 2025-07-28. Review status: criteria provided, single submitter. Criteria: GeneDx Variant Classification Process June 2021. Collection method: clinical testing. Allele origin: germline. Affected: yes.
Comment: Not observed at significant frequency in large population cohorts (gnomAD); In silico analysis supports that this missense variant has a deleterious effect on protein structure/function; Has not been previously published as pathogenic or benign to our knowledge